The following is an entry in ClinVar:

ClinVar aggregate classification (germline): Uncertain significance. Review status: criteria provided, multiple submitters, no conflicts (2 of 4 stars). 2 submissions from 2 submitters: Uncertain significance (2). Last evaluated 2025-10-29.

Conditions:
Severe combined immunodeficiency due to DCLRE1C deficiency (RS-SCID). Also called: SCID, AUTOSOMAL RECESSIVE, T CELL-NEGATIVE, B CELL-NEGATIVE, NK CELL-POSITIVE, WITH SENSITIVITY TO IONIZING RADIATION. Identifiers: Orphanet 275, MedGen C1865371, MONDO:0011225, OMIM 602450.
Inborn genetic diseases. Identifiers: MedGen C0950123, MeSH D030342.

Allele frequency attached by ClinVar (database versions not stated): gnomAD exomes below 0.00001; TOPMed below 0.00001.
gnomAD v4.1: 2 of 1,614,234 alleles (0.00012%); highest among the groups gnomAD compares: Non-Finnish European, 0.00017%; no homozygotes.

Submissions (2):

Ambry Genetics
Classification: Uncertain significance for Inborn genetic diseases. Last evaluated: 2025-10-29. Review status: criteria provided, single submitter. Criteria: Ambry Variant Classification Scheme 2023. Collection method: clinical testing. Allele origin: germline.

Labcorp Genetics (formerly Invitae), Labcorp
Classification: Uncertain significance for Athabaskan severe combined immunodeficiency. Last evaluated: 2022-05-05. Review status: criteria provided, single submitter. Criteria: Invitae Variant Classification Sherloc (09022015). Collection method: clinical testing. Allele origin: germline.
Comment: This sequence change replaces threonine, which is neutral and polar, with alanine, which is neutral and non-polar, at codon 247 of the DCLRE1C protein (p.Thr247Ala). This variant is not present in population databases (gnomAD no frequency). This variant has not been reported in the literature in individuals affected with DCLRE1C-related conditions. Algorithms developed to predict the effect of missense changes on protein structure and function are either unavailable or do not agree on the potential impact of this missense change (SIFT: "Tolerated"; PolyPhen-2: "Possibly Damaging"; Align-GVGD: "Class C0"). Algorithms developed to predict the effect of sequence changes on RNA splicing suggest that this variant may create or strengthen a splice site. In summary, the available evidence is currently insufficient to determine the role of this variant in disease. Therefore, it has been classified as a Variant of Uncertain Significance.

NM_001033855.3(DCLRE1C):c.739A>G (p.Thr247Ala)

Gene: DCLRE1C (DNA cross-link repair 1C; minus strand). Cytogenetic location: 10p13.
Variant type: single nucleotide variant.
Coding change: c.739A>G on transcript NM_001033855.3 (MANE Select); coding-DNA position 739, A replaced by G.
Protein change: p.Thr247Ala; replaces threonine 247 with alanine.
Molecular consequence: missense variant. On other transcripts: non-coding transcript variant (4).
Genome position (GRCh38, 1-based): chr10:14,932,895, T>C on the plus strand (A>G on the coding strand, the complement: DCLRE1C is on the minus strand). VCF-style: chr10-14932895-T-C. GRCh37 (hg19) VCF-style: chr10-14974894-T-C.
Other names: c.379A>G, p.Thr127Ala (NM_001033857.3, NM_001033858.3, NM_001289077.2 and 2 more transcripts); c.394A>G, p.Thr132Ala (NM_001289076.2, NM_001289078.2, NM_001350966.2 and 1 more transcripts); c.739A>G, p.Thr247Ala (NM_001350965.2); short protein forms T132A, T247A, T127A.
Identifiers: ClinVar variation 2139993 (VCV002139993.2), dbSNP rs1839264688, ClinGen allele CA376058398.
Genomic context (GRCh38, chr10:14,932,895, plus strand): 5'-GAATCACTTGCACACGTACCTTGGGATGCCGGCATGCATGGATCTGAGTGTTGCGGTCTG[T>C]TGTGAGATGATGAAGGATCTCAGGCATGTTCCTAAACATGTCTAGCTTATTCACATGAAC-3'
Protein context (NP_001029027.1, residues 237-257): NMPEILHHLT[Thr247Ala]DRNTQIHACR